The following is an entry in ClinVar:

NM_000143.4(FH):c.477T>C (p.Asn159=)

Gene: FH (fumarate hydratase; minus strand). Cytogenetic location: 1q43.
Variant type: single nucleotide variant.
Coding change: c.477T>C on transcript NM_000143.4 (MANE Select); coding-DNA position 477, T replaced by C.
Protein change: p.Asn159=; no amino-acid change (asparagine 159 retained).
Molecular consequence: synonymous variant.
Genome position (GRCh38, 1-based): chr1:241,512,045, A>G on the plus strand (T>C on the coding strand, the complement: FH is on the minus strand). VCF-style: chr1-241512045-A-G. GRCh37 (hg19) VCF-style: chr1-241675345-A-G.
Identifiers: ClinVar variation 513740 (VCV000513740.16), dbSNP rs372913738, ClinGen allele CA1478676.

ClinVar aggregate classification (germline): Benign/Likely benign. Review status: criteria provided, multiple submitters, no conflicts (2 of 4 stars). 5 submissions from 5 submitters: Benign (1); Likely benign (4). Last evaluated 2026-01-19.

Conditions:
Hereditary cancer-predisposing syndrome. Also called: Hereditary neoplastic syndrome; Hereditary Cancer Syndrome; Neoplastic Syndromes, Hereditary; Tumor predisposition. Identifiers: Orphanet 140162, MedGen C0027672, MeSH D009386, MONDO:0015356.
Hereditary leiomyomatosis and renal cell cancer. Also called: MULTIPLE CUTANEOUS AND UTERINE LEIOMYOMATA 1, WITH OR WITHOUT RENAL CELL CARCINOMA; LEIOMYOMA, MULTIPLE CUTANEOUS; FH tumor predisposition syndrome; Reed syndrome; Multiple cutaneous and uterine leiomyomatosis; Cutaneous leiomyomata with uterine leiomyomata. Identifiers: Orphanet 523, MedGen C1708350, MONDO:0007888, OMIM 150800, HP:0007437. Disease mechanism: loss of function.
FH-related disorder. Also called: FH-related condition; FH-related disorders.

Allele frequency attached by ClinVar (database versions not stated): gnomAD exomes below 0.00001; ExAC 0.00001; ESP Exome Variant Server 0.00008.

Submissions (5):

Labcorp Genetics (formerly Invitae), Labcorp
Classification: Likely benign. Last evaluated: 2026-01-19. Review status: criteria provided, single submitter. Criteria: Invitae Variant Classification Sherloc (09022015). Collection method: clinical testing. Allele origin: germline.

Myriad Genetics, Inc.
Classification: Benign for Hereditary leiomyomatosis and renal cell cancer. Last evaluated: 2024-10-18. Review status: criteria provided, single submitter. Criteria: Myriad Autosomal Dominant, Autosomal Recessive and X-Linked Classification Criteria (2023). Collection method: clinical testing. Allele origin: unknown.
Comment: This variant is considered benign. This variant is a silent/synonymous amino acid change and it is not expected to impact splicing.

PreventionGenetics, part of Exact Sciences
Classification: Likely benign for FH-related condition. Last evaluated: 2024-10-17. Review status: criteria provided, single submitter. Criteria: ACMG Guidelines, 2015. Collection method: clinical testing. Allele origin: germline.
Comment: This variant is classified as likely benign based on ACMG/AMP sequence variant interpretation guidelines (Richards et al. 2015 PMID: 25741868, with internal and published modifications).

Ambry Genetics
Classification: Likely benign for Hereditary cancer-predisposing syndrome. Last evaluated: 2021-06-25. Review status: criteria provided, single submitter. Criteria: Ambry Variant Classification Scheme 2023. Collection method: clinical testing. Allele origin: germline.

GeneDx
Classification: Likely benign. Last evaluated: 2019-11-06. Review status: criteria provided, single submitter. Criteria: GeneDx Variant Classification Process June 2021. Collection method: clinical testing. Allele origin: germline. Affected: yes.